The following is an entry in ClinVar:

NM_002691.4(POLD1):c.1587G>A (p.Leu529=)

Gene: POLD1 (DNA polymerase delta 1, catalytic subunit; plus strand). Cytogenetic location: 19q13.33.
Variant type: single nucleotide variant.
Coding change: c.1587G>A on transcript NM_002691.4 (MANE Select); coding-DNA position 1587, G replaced by A.
Protein change: p.Leu529=; no amino-acid change (leucine 529 retained).
Molecular consequence: synonymous variant. On other transcripts: non-coding transcript variant (1).
Genome position (GRCh38, 1-based): chr19:50,407,075, G>A. VCF-style: chr19-50407075-G-A. GRCh37 (hg19) VCF-style: chr19-50910332-G-A.
Other names: c.1587G>A, p.Leu529= (NM_001256849.1, NM_001308632.1).
Identifiers: ClinVar variation 819550 (VCV000819550.8), dbSNP rs148226884, ClinGen allele CA9596182.
Genomic context (GRCh38, chr19:50,407,075, plus strand): 5'-TGTGTACTGCCTGAAGGATGCCTACCTGCCACTGCGGCTGCTGGAGCGGCTCATGGTGCT[G>A]GTGAACGCCGTGGAGATGGCGAGGGTCACTGGCGTGCCCCTCAGCTACCTGCTCAGTCGT-3'
Protein context (NP_002682.2, residues 519-539): PLRLLERLMV[Leu529=]VNAVEMARVT

ClinVar aggregate classification (germline): Benign/Likely benign. Review status: criteria provided, multiple submitters, no conflicts (2 of 4 stars). 3 submissions from 3 submitters: Benign (1); Likely benign (2). Last evaluated 2025-02-07.

Conditions:
Hereditary cancer-predisposing syndrome. Also called: Hereditary Cancer Syndrome; Hereditary neoplastic syndrome; Neoplastic Syndromes, Hereditary; Tumor predisposition. Identifiers: Orphanet 140162, MedGen C0027672, MeSH D009386, MONDO:0015356.
POLD1-related polyposis and colorectal cancer syndrome (CRCS10). Also called: Colorectal cancer, susceptibility to, 10; Colorectal cancer 10; COLORECTAL CANCER, SUSCEPTIBILITY TO, ON CHROMOSOME 19q. Identifiers: Orphanet 220460, MedGen C2675481, MONDO:0012953, OMIM 612591.

Allele frequency attached by ClinVar (database versions not stated): gnomAD exomes below 0.00001; ExAC 0.00001; ESP Exome Variant Server 0.00008.
gnomAD v4.1: 5 of 1,613,832 alleles (0.00031%); highest among the groups gnomAD compares: Non-Finnish European, 0.00042%; no homozygotes.

Submissions (3):

Myriad Genetics, Inc.
Classification: Benign for POLD1-related polyposis and colorectal cancer syndrome. Last evaluated: 2025-02-07. Review status: criteria provided, single submitter. Criteria: Myriad Autosomal Dominant, Autosomal Recessive and X-Linked Classification Criteria (2023). Collection method: clinical testing. Allele origin: unknown.
Comment: This variant is considered benign. This variant is a silent/synonymous amino acid change and it is not expected to impact splicing.

Labcorp Genetics (formerly Invitae), Labcorp
Classification: Likely benign for POLD1-related polyposis and colorectal cancer syndrome. Last evaluated: 2024-05-28. Review status: criteria provided, single submitter. Criteria: Invitae Variant Classification Sherloc (09022015). Collection method: clinical testing. Allele origin: germline.

Ambry Genetics
Classification: Likely benign for Hereditary cancer-predisposing syndrome. Last evaluated: 2018-04-25. Review status: criteria provided, single submitter. Criteria: Ambry Variant Classification Scheme 2023. Collection method: clinical testing. Allele origin: germline.